The following is an entry in ClinVar:

NM_003738.5(PTCH2):c.839G>C (p.Ser280Thr)

Gene: PTCH2 (patched 2; minus strand). Cytogenetic location: 1p34.1.
Variant type: single nucleotide variant.
Coding change: c.839G>C on transcript NM_003738.5 (MANE Select); coding-DNA position 839, G replaced by C.
Protein change: p.Ser280Thr; replaces serine 280 with threonine.
Molecular consequence: missense variant.
Genome position (GRCh38, 1-based): chr1:44,830,005, C>G on the plus strand (G>C on the coding strand, the complement: PTCH2 is on the minus strand). VCF-style: chr1-44830005-C-G. GRCh37 (hg19) VCF-style: chr1-45295677-C-G.
Other names: c.839G>C, p.Ser280Thr (NM_001166292.2); short protein forms S280T.
Identifiers: ClinVar variation 2055552 (VCV002055552.4), dbSNP rs1653359888, ClinGen allele CA340105164.

ClinVar aggregate classification (germline): Uncertain significance (1 of 4 stars; one submission).

Conditions:
Gorlin syndrome. Also called: Nevoid Basal Cell Carcinoma Syndrome; Basal cell nevus syndrome. Identifiers: Orphanet 377, MedGen C0004779, MONDO:0007187.

Allele frequency attached by ClinVar (database versions not stated): gnomAD exomes 0.00001.
gnomAD v4.1: 3 of 1,614,160 alleles (0.00019%); highest among the groups gnomAD compares: Non-Finnish European, 0.00025%; no homozygotes.

Submission:

Labcorp Genetics (formerly Invitae), Labcorp
Classification: Uncertain significance for Gorlin syndrome. Last evaluated: 2025-05-14. Review status: criteria provided, single submitter. Criteria: Invitae Variant Classification Sherloc (09022015). Collection method: clinical testing. Allele origin: germline.
Comment: This sequence change replaces serine, which is neutral and polar, with threonine, which is neutral and polar, at codon 280 of the PTCH2 protein (p.Ser280Thr). This variant is not present in population databases (gnomAD no frequency). This variant has not been reported in the literature in individuals affected with PTCH2-related conditions. ClinVar contains an entry for this variant (Variation ID: 2055552). Invitae Evidence Modeling of protein sequence and biophysical properties (such as structural, functional, and spatial information, amino acid conservation, physicochemical variation, residue mobility, and thermodynamic stability) indicates that this missense variant is not expected to disrupt PTCH2 protein function with a negative predictive value of 80%. In summary, the available evidence is currently insufficient to determine the role of this variant in disease. Therefore, it has been classified as a Variant of Uncertain Significance.